The following is an entry in ClinVar:

ClinVar aggregate classification (germline): Likely pathogenic (1 of 4 stars; one submission).

Conditions:
Fanconi anemia (FA). Also called: Fanconi's anemia. Identifiers: Orphanet 84, MedGen C0015625, MeSH D005199, MONDO:0019391.

Submission:

Labcorp Genetics (formerly Invitae), Labcorp
Classification: Likely pathogenic for Fanconi anemia. Last evaluated: 2022-02-10. Review status: criteria provided, single submitter. Criteria: Invitae Variant Classification Sherloc (09022015). Collection method: clinical testing. Allele origin: germline.
Comment: In summary, the currently available evidence indicates that the variant is pathogenic, but additional data are needed to prove that conclusively. Therefore, this variant has been classified as Likely Pathogenic. This variant disrupts the C-terminal ERCC4 nuclease domain and the helix-hairpin-helix (HhH) motifs of the FANCM protein, which are critical for the interaction between FANCM and FAAP24, chromatin localization of the FANCM/FAAP24 complex and the activation of the FA core complex (PMID: 17289582, 23932590, 18174376, 19379763, 24003026). While functional studies have not been performed to directly test the effect of this variant on FANCM protein function, this suggests that disruption of this region of the protein may be causative of disease. This variant has not been reported in the literature in individuals affected with FANCM-related conditions. This variant is a gross deletion of the genomic region encompassing exon(s) 6-23 of the FANCM gene, which includes the termination codon. This deletion extends beyond the assayed region for this gene and therefore may encompass additional genes. While this deletion is not anticipated to lead to nonsense mediated decay, it is expected to alter mRNA translation or result in a truncated protein product.

Literature cited by the submitters: PubMed 17289582; PubMed 23932590; PubMed 18174376; PubMed 19379763; PubMed 24003026.

NC_000014.8:g.(?_45623113)_(45669211_?)del

Gene: FANCM (FA complementation group M; plus strand). Cytogenetic location: 14q21.2.
Variant type: Deletion.
Identifiers: ClinVar variation 1067459 (VCV001067459.6).